The following is an entry in ClinVar:

NM_020975.6(RET):c.3051C>A (p.Asp1017Glu)

Gene: RET (ret proto-oncogene; plus strand). Cytogenetic location: 10q11.21.
Variant type: single nucleotide variant.
Coding change: c.3051C>A on transcript NM_020975.6 (MANE Select); coding-DNA position 3051, C replaced by A.
Protein change: p.Asp1017Glu; replaces aspartic acid 1017 with glutamic acid.
Molecular consequence: missense variant.
Genome position (GRCh38, 1-based): chr10:43,126,586, C>A. VCF-style: chr10-43126586-C-A. GRCh37 (hg19) VCF-style: chr10-43622034-C-A.
Other names: c.3051C>A, p.Asp1017Glu (NM_000323.2, NM_001406743.1, NM_001406744.1 and 4 more transcripts); c.2289C>A, p.Asp763Glu (NM_001355216.2); c.2922C>A, p.Asp974Glu (NM_001406761.1, NM_001406762.1, NM_001406764.1); c.2916C>A, p.Asp972Glu (NM_001406763.1, NM_001406765.1); c.2325C>A, p.Asp775Glu (NM_001406775.1, NM_001406776.1, NM_001406777.1 and 1 more transcripts); c.2154C>A, p.Asp718Glu (NM_001406779.1, NM_001406780.1, NM_001406781.1 and 1 more transcripts); c.2025C>A, p.Asp675Glu (NM_001406783.1, NM_001406786.1); c.1602C>A, p.Asp534Glu (NM_001406794.1, NM_001406792.1, NM_001406793.1); and 11 more; short protein forms D622E, D763E, D921E, D929E, D673E, D675E, D842E, D871E.
Identifiers: ClinVar variation 1799271 (VCV001799271.7), dbSNP rs993057046, ClinGen allele CA376558292.

ClinVar aggregate classification (germline): Uncertain significance. Review status: criteria provided, multiple submitters, no conflicts (2 of 4 stars). 4 submissions from 4 submitters: Uncertain significance (4). Last evaluated 2026-10-01.

Conditions:
Hereditary cancer-predisposing syndrome. Also called: Hereditary neoplastic syndrome; Neoplastic Syndromes, Hereditary; Tumor predisposition; Hereditary Cancer Syndrome. Identifiers: Orphanet 140162, MedGen C0027672, MeSH D009386, MONDO:0015356.
Multiple endocrine neoplasia, type 2 (MEN2). Identifiers: Orphanet 653, MedGen C4048306, MONDO:0019003. Disease mechanism: gain of function.
Multiple endocrine neoplasia type 2A. Also called: MULTIPLE ENDOCRINE NEOPLASIA, TYPE IIA; PTC SYNDROME; SIPPLE SYNDROME; MEN 2A; MEN-2A syndrome; Pheochromocytoma and amyloid producing medullary thyroid carcinoma. Identifiers: Orphanet 247698, Orphanet 653, MedGen C0025268, MeSH D018813, MONDO:0008234, OMIM 171400.

Submissions (4):

St. Jude Molecular Pathology, St. Jude Children's Research Hospital
Classification: Uncertain significance for Multiple endocrine neoplasia type 2A. Last evaluated: 2026-10-01. Review status: criteria provided, single submitter. Criteria: St. Jude Assertion Criteria 2020. Collection method: clinical testing. Allele origin: germline.
Comment: The RET c.3051C>A p.(Asp1017Glu) missense change has a maximum subpopulation frequency of 0.003% in gnomAD v2.1.1. The in silico tool REVEL is inconclusive about a pathogenic or benign effect of this variant on protein function, and to our knowledge functional studies have not been performed. To our knowledge, this variant has not been reported in the literature in indi viduals with multiple endocrine neoplasia type II. In summary, the evidence currently available is insufficient to determine the clinical significance of this variant. It has therefore been classified as of uncertain significance (VUS-Low).

GeneDx
Classification: Uncertain significance. Last evaluated: 2024-02-06. Review status: criteria provided, single submitter. Criteria: GeneDx Variant Classification Process June 2021. Collection method: clinical testing. Allele origin: germline. Affected: yes.
Comment: Not observed at significant frequency in large population cohorts (gnomAD); In silico analysis supports that this missense variant has a deleterious effect on protein structure/function; Has not been previously published as pathogenic or benign to our knowledge; This variant is associated with the following publications: (PMID: 14633923)

Labcorp Genetics (formerly Invitae), Labcorp
Classification: Uncertain significance for Multiple endocrine neoplasia, type 2. Last evaluated: 2023-09-29. Review status: criteria provided, single submitter. Criteria: Invitae Variant Classification Sherloc (09022015). Collection method: clinical testing. Allele origin: germline.
Comment: In summary, the available evidence is currently insufficient to determine the role of this variant in disease. Therefore, it has been classified as a Variant of Uncertain Significance. An algorithm developed to predict the effect of missense changes on protein structure and function (PolyPhen-2) suggests that this variant is likely to be tolerated. ClinVar contains an entry for this variant (Variation ID: 1799271). This variant has not been reported in the literature in individuals affected with RET-related conditions. This variant is present in population databases (no rsID available, gnomAD 0.003%). This sequence change replaces aspartic acid, which is acidic and polar, with glutamic acid, which is acidic and polar, at codon 1017 of the RET protein (p.Asp1017Glu).

Ambry Genetics
Classification: Uncertain significance for Hereditary cancer-predisposing syndrome. Last evaluated: 2022-01-06. Review status: criteria provided, single submitter. Criteria: Ambry Variant Classification Scheme 2023. Collection method: clinical testing. Allele origin: germline.
Comment: The p.D1017E variant (also known as c.3051C>A), located in coding exon 19 of the RET gene, results from a C to A substitution at nucleotide position 3051. The aspartic acid at codon 1017 is replaced by glutamic acid, an amino acid with highly similar properties. This amino acid position is highly conserved in available vertebrate species. In addition, the in silico prediction for this alteration is inconclusive. Since supporting evidence is limited at this time, the clinical significance of this alteration remains unclear.